The following is an entry in ClinVar:

ClinVar aggregate classification (germline): Uncertain significance. Review status: criteria provided, multiple submitters, no conflicts (2 of 4 stars). 2 submissions from 2 submitters: Uncertain significance (2). Last evaluated 2025-03-26.

Conditions:
Inborn genetic diseases. Identifiers: MedGen C0950123, MeSH D030342.
Peters plus syndrome. Also called: KRAUSE-KIVLIN SYNDROME. Identifiers: Orphanet 709, MedGen C0796012, MONDO:0009856, OMIM 261540.

Allele frequency attached by ClinVar (database versions not stated): ExAC 0.00003; gnomAD 0.00009 and 0.00010; TOPMed 0.00011; 1000 Genomes Project 30x 0.00016; 1000 Genomes Project 0.00020.
gnomAD v4.1: 55 of 1,524,096 alleles (0.0036%); highest among the groups gnomAD compares: Admixed American, 0.033%; no homozygotes.

Submissions (2):

Ambry Genetics
Classification: Uncertain significance for Inborn genetic diseases. Last evaluated: 2025-03-26. Review status: criteria provided, single submitter. Criteria: Ambry Variant Classification Scheme 2023. Collection method: clinical testing. Allele origin: germline.

Labcorp Genetics (formerly Invitae), Labcorp
Classification: Uncertain significance for Peters plus syndrome. Last evaluated: 2022-08-01. Review status: criteria provided, single submitter. Criteria: Invitae Variant Classification Sherloc (09022015). Collection method: clinical testing. Allele origin: germline.
Comment: This sequence change replaces glutamic acid, which is acidic and polar, with aspartic acid, which is acidic and polar, at codon 43 of the B3GLCT protein (p.Glu43Asp). This variant is present in population databases (rs572785989, gnomAD 0.02%). This variant has not been reported in the literature in individuals affected with B3GLCT-related conditions. ClinVar contains an entry for this variant (Variation ID: 843027). Algorithms developed to predict the effect of missense changes on protein structure and function output the following: SIFT: "Tolerated"; PolyPhen-2: "Benign"; Align-GVGD: "Class C0". The aspartic acid amino acid residue is found in multiple mammalian species, which suggests that this missense change does not adversely affect protein function. In summary, the available evidence is currently insufficient to determine the role of this variant in disease. Therefore, it has been classified as a Variant of Uncertain Significance.

NM_194318.4(B3GLCT):c.129G>C (p.Glu43Asp)

Gene: B3GLCT (beta 3-glucosyltransferase; plus strand). Cytogenetic location: 13q12.3.
Variant type: single nucleotide variant.
Coding change: c.129G>C on transcript NM_194318.4 (MANE Select); coding-DNA position 129, G replaced by C.
Protein change: p.Glu43Asp; replaces glutamic acid 43 with aspartic acid.
Molecular consequence: missense variant.
Genome position (GRCh38, 1-based): chr13:31,222,960, G>C. VCF-style: chr13-31222960-G-C. GRCh37 (hg19) VCF-style: chr13-31797097-G-C.
Other names: short protein forms E43D.
Identifiers: ClinVar variation 843027 (VCV000843027.7), dbSNP rs572785989, ClinGen allele CA6936467.